The following continues an entry in ClinVar:

NM_000350.3(ABCA4):c.3322C>T (p.Arg1108Cys)

Gene: ABCA4. ClinVar aggregate classification (germline): Pathogenic. Pathogenic (1).

Submissions 8 to 25 of 25:

Victorian Clinical Genetics Services, Murdoch Childrens Research Institute
Classification: Pathogenic for Severe early-childhood-onset retinal dystrophy. Last evaluated: 2024-10-09. Review status: criteria provided, single submitter. Criteria: ACMG Guidelines, 2015. Collection method: clinical testing. Allele origin: germline. Inheritance: Autosomal recessive inheritance. Affected: yes. Not counted in ClinVar's aggregate classification.
Comment: Based on the classification scheme VCGS_Germline_v1.3.5, this variant is classified as Pathogenic. Following criteria are met: 0102 - Loss of function is a known mechanism of disease in this gene and is associated with Stargardt disease 1 (MIM#248200) and other inherited retinal diseases (OMIM). (I) 0106 - This gene is associated with autosomal recessive disease. (I) 0115 - Variants in this gene are known to have variable expressivity (PMID: 31522899). (I) 0200 - Variant is predicted to result in a missense amino acid change from arginine to cystine. (I) 0251 - This variant is heterozygous. (I) 0304 - Variant is present in gnomAD (v4) <0.01 for a recessive condition (313 heterozygotes, 0 homozygotes). (SP) 0309 - Multiple alternative amino acid changes at the same position have been observed in gnomAD (v4) (highest allele count: 75 heterozygotes, 0 homozygotes). (I) 0501 - Missense variant consistently predicted to be damaging by multiple in silico tools or highly conserved with a major amino acid change. (SP) 0604 - Variant is not located in an established domain, motif, hotspot or informative constraint region. (I) 0801 - This variant has strong previous evidence of pathogenicity in unrelated individuals. The variant has previously been observed in multiple individuals with Stargardt disease (ClinVar, PMID: 33129279). (SP) 1208 - Inheritance information for this variant is not currently available in this individual. (I) Legend: (SP) - Supporting pathogenic, (I) - Information, (SB) - Supporting benign

Lab De Baere, Eye and Developmental Genetics Lab, Ghent University
Classification: Pathogenic for Stargardt disease. Last evaluated: 2024-10-01. Review status: criteria provided, single submitter. Criteria: ACMG Guidelines, 2015. Collection method: research. Allele origin: inherited. Affected: yes. Observed: 1 variant allele. Not counted in ClinVar's aggregate classification.
Comment: ACMG/AMP guidelines: PM2, PS4, PM5, PS3, PM3_PS

Blueprint Genetics
Classification: Pathogenic for ABCA4-related disorders. Last evaluated: 2024-09-06. Review status: criteria provided, single submitter. Criteria: ACMG Guidelines, 2015. Collection method: clinical testing. Allele origin: germline. Affected: yes. Observed: 5 variant alleles. Not counted in ClinVar's aggregate classification.

Fulgent Genetics
Classification: Pathogenic for Age related macular degeneration 2; Severe early-childhood-onset retinal dystrophy; Retinitis pigmentosa 19; Cone-rod dystrophy 3. Last evaluated: 2024-05-28. Review status: criteria provided, single submitter. Criteria: ACMG Guidelines, 2015. Collection method: clinical testing. Allele origin: germline. Not counted in ClinVar's aggregate classification.

CeGaT Center for Human Genetics Tuebingen
Classification: Pathogenic. Last evaluated: 2024-04-01. Review status: criteria provided, single submitter. Criteria: CeGaT Center For Human Genetics Tuebingen Variant Classification Criteria Version 2. Collection method: clinical testing. Allele origin: germline. Affected: yes. Observed: 5 variant alleles. Not counted in ClinVar's aggregate classification.
Comment: ABCA4: PM3:Very Strong, PM2, PM5, PP3, PS3:Supporting

GeneDx
Classification: Pathogenic. Last evaluated: 2023-05-26. Review status: criteria provided, single submitter. Criteria: GeneDx Variant Classification Process June 2021. Collection method: clinical testing. Allele origin: germline. Affected: yes. Not counted in ClinVar's aggregate classification.
Comment: Published functional studies demonstrate a damaging, temperature-sensitive processing effect on the ABCA4 protein (Sabirzhanova et al., 2015); In silico analysis, which includes protein predictors and evolutionary conservation, supports a deleterious effect; This variant is associated with the following publications: (PMID: 11379881, 19074458, 24713488, 11702214, 26354092, 23757202, 11527935, 11726554, 11328725, 29555955, 28118664, 28559085, 32531858, 25283059, 16917483, 23918662, 9781034, 10958763, 26103963, 16703556, 30337596, 30653986, 31456290, 32845050, 32467599, 31589614, 32619608, 32037395, 33732702, 35119454, 35656873, 34216551, 9973280, 29925512, 26092729)

Laboratory of Medical Genetics, National & Kapodistrian University of Athens
Classification: Pathogenic for Severe early-childhood-onset retinal dystrophy. Last evaluated: 2021-10-05. Review status: criteria provided, single submitter. Criteria: ACMG Guidelines, 2015. Collection method: clinical testing. Allele origin: maternal. Affected: yes. Not counted in ClinVar's aggregate classification.
Comment: PM1, PM2, PM5, PP3, PP5

Institute of Medical Genetics and Applied Genomics, University Hospital Tübingen
Classification: Pathogenic. Last evaluated: 2021-09-15. Review status: criteria provided, single submitter. Criteria: ACMG Guidelines, 2015. Collection method: clinical testing. Allele origin: germline. Inheritance: Autosomal recessive inheritance. Affected: yes. Not counted in ClinVar's aggregate classification.

Baylor Genetics
Classification: Pathogenic for Severe early-childhood-onset retinal dystrophy. Last evaluated: 2020-01-17. Review status: criteria provided, single submitter. Criteria: ACMG Guidelines, 2015. Collection method: clinical testing. Allele origin: unknown. Affected: yes. Not counted in ClinVar's aggregate classification.
Comment: This variant was determined to be pathogenic according to ACMG Guidelines, 2015 [PMID:25741868].

Institute of Human Genetics, Univ. Regensburg, Univ. Regensburg
Classification: Likely pathogenic for Retinal dystrophy. Last evaluated: 2019-01-01. Review status: criteria provided, single submitter. Criteria: ACMG Guidelines, 2015. Collection method: clinical testing. Allele origin: germline. Affected: yes. Not counted in ClinVar's aggregate classification.

Centre for Mendelian Genomics, University Medical Centre Ljubljana
Classification: Likely pathogenic for Age related macular degeneration 2. Last evaluated: 2016-01-01. Review status: criteria provided, single submitter. Criteria: ACMG Guidelines, 2015. Collection method: clinical testing. Allele origin: unknown. Affected: yes. Not counted in ClinVar's aggregate classification.
Comment: This variant was classified as: Likely pathogenic. The following ACMG criteria were applied in classifying this variant: PM2,PM3,PM5,PP3,PP5.

Institute of Human Genetics, Univ. Regensburg, Univ. Regensburg
Classification: Likely pathogenic for Severe early-childhood-onset retinal dystrophy. Last evaluated: 2016-01-01. Review status: criteria provided, single submitter. Criteria: Schulz et al. (Invest Ophthalmol Vis Sci. 2017). Collection method: clinical testing. Allele origin: germline. Affected: yes. Observed: 5 heterozygotes. Not counted in ClinVar's aggregate classification.

Eurofins Ntd Llc (ga)
Classification: Pathogenic. Last evaluated: 2015-12-29. Review status: criteria provided, single submitter. Criteria: EGL Classification Definitions 2015. Collection method: clinical testing. Allele origin: germline. Observed: 4 variant alleles, 4 heterozygotes. Not counted in ClinVar's aggregate classification.

Sharon lab, Hadassah-Hebrew University Medical Center
Classification: Pathogenic for Stargardt disease. Last evaluated: 2019-06-23. Review status: no assertion criteria provided. Collection method: research. Allele origin: inherited. Affected: yes. Not counted in ClinVar's aggregate classification.

Clinical Genetics, Academic Medical Center
Classification: Pathogenic. Review status: no assertion criteria provided. Collection method: clinical testing. Allele origin: germline. Affected: yes. Study: VKGL Data-share Consensus. Not counted in ClinVar's aggregate classification.

Joint Genome Diagnostic Labs from Nijmegen and Maastricht, Radboudumc and MUMC+
Classification: Pathogenic. Review status: no assertion criteria provided. Collection method: clinical testing. Allele origin: germline. Affected: yes. Study: VKGL Data-share Consensus. Not counted in ClinVar's aggregate classification.

Ophthalmo-Genetics Lab, Instituto de Oftalmologia Conde de Valenciana
Classification: Pathogenic for Severe early-childhood-onset retinal dystrophy. Review status: no assertion criteria provided. Collection method: research. Allele origin: germline. Inheritance: Autosomal recessive inheritance. Affected: yes. Not counted in ClinVar's aggregate classification.

Retina International
No classification provided. Review status: no classification provided. Collection method: not provided. Allele origin: unknown. Not counted in ClinVar's aggregate classification.

Literature cited by the submitters: PubMed 10958763 (cited by 3 submitters); PubMed 11379881 (cited by Labcorp Genetics (formerly Invitae), Labcorp and Eurofins Ntd Llc (ga)); PubMed 16703556 (cited by Labcorp Genetics (formerly Invitae), Labcorp and Institute of Human Genetics, Univ. Regensburg, Univ. Regensburg); PubMed 26103963 (cited by Labcorp Genetics (formerly Invitae), Labcorp and Ambry Genetics); PubMed 30337596 (cited by 3 submitters); PubMed 26092729 (cited by 3 submitters); PubMed 24713488 (cited by Ambry Genetics and Institute of Human Genetics, Univ. Regensburg, Univ. Regensburg); PubMed 9781034 (cited by 3 submitters); PubMed 11328725 (cited by 3billion); PubMed 31522899 (cited by Victorian Clinical Genetics Services, Murdoch Childrens Research Institute); PubMed 33129279 (cited by Victorian Clinical Genetics Services, Murdoch Childrens Research Institute); PubMed 19074458 (cited by Institute of Human Genetics, Univ. Regensburg, Univ. Regensburg); PubMed 25283059 (cited by Institute of Human Genetics, Univ. Regensburg, Univ. Regensburg); PubMed 28559085 (cited by Institute of Human Genetics, Univ. Regensburg, Univ. Regensburg); PubMed 29555955 (cited by Institute of Human Genetics, Univ. Regensburg, Univ. Regensburg); PubMed 31589614 (cited by Institute of Human Genetics, Univ. Regensburg, Univ. Regensburg); PubMed 29925512 (cited by Institute of Human Genetics, Univ. Regensburg, Univ. Regensburg); PubMed 30653986 (cited by Institute of Human Genetics, Univ. Regensburg, Univ. Regensburg); PubMed 32845050 (cited by Institute of Human Genetics, Univ. Regensburg, Univ. Regensburg); PubMed 32619608 (cited by Institute of Human Genetics, Univ. Regensburg, Univ. Regensburg); PubMed 32467599 (cited by Institute of Human Genetics, Univ. Regensburg, Univ. Regensburg); PubMed 31964843 (cited by Institute of Human Genetics, Univ. Regensburg, Univ. Regensburg); PubMed 32307445 (cited by Institute of Human Genetics, Univ. Regensburg, Univ. Regensburg); PubMed 31456290 (cited by Institute of Human Genetics, Univ. Regensburg, Univ. Regensburg); PubMed 32531858 (cited by Institute of Human Genetics, Univ. Regensburg, Univ. Regensburg); PubMed 32037395 (cited by Institute of Human Genetics, Univ. Regensburg, Univ. Regensburg); PubMed 34216551 (cited by Institute of Human Genetics, Univ. Regensburg, Univ. Regensburg); PubMed 33732702 (cited by Institute of Human Genetics, Univ. Regensburg, Univ. Regensburg); PubMed 35119454 (cited by Institute of Human Genetics, Univ. Regensburg, Univ. Regensburg); PubMed 35656873 (cited by Institute of Human Genetics, Univ. Regensburg, Univ. Regensburg); PubMed 36460718 (cited by Institute of Human Genetics, Univ. Regensburg, Univ. Regensburg); PubMed 35076026 (cited by Institute of Human Genetics, Univ. Regensburg, Univ. Regensburg); PubMed 29854428 (cited by Ophthalmo-Genetics Lab, Instituto de Oftalmologia Conde de Valenciana).